The following is an entry in ClinVar:

ClinVar aggregate classification (germline): Uncertain significance (1 of 4 stars; one submission).

Conditions:
Developmental and epileptic encephalopathy, 9 (DEE9). Also called: PCDH19-Related X-Linked Female-Limited Epilepsy with Mental Retardation; Early infantile epileptic encephalopathy 9; JUBERG-HELLMAN SYNDROME; EPILEPSY, FEMALE-RESTRICTED, WITH MENTAL RETARDATION. Identifiers: Orphanet 101039, Orphanet 2076, MedGen C1848137, MONDO:0010246, OMIM 300088. Disease mechanism: loss of function.

Submission:

Labcorp Genetics (formerly Invitae), Labcorp
Classification: Uncertain significance for Developmental and epileptic encephalopathy, 9. Last evaluated: 2022-09-06. Review status: criteria provided, single submitter. Criteria: Invitae Variant Classification Sherloc (09022015). Collection method: clinical testing. Allele origin: germline.
Comment: ClinVar contains an entry for this variant (Variation ID: 846619). This variant has not been reported in the literature in individuals affected with PCDH19-related conditions. This variant is not present in population databases (gnomAD no frequency). This sequence change replaces glutamic acid, which is acidic and polar, with glycine, which is neutral and non-polar, at codon 794 of the PCDH19 protein (p.Glu794Gly). Algorithms developed to predict the effect of missense changes on protein structure and function are either unavailable or do not agree on the potential impact of this missense change (SIFT: "Deleterious"; PolyPhen-2: "Benign"; Align-GVGD: "Class C0"). Algorithms developed to predict the effect of sequence changes on RNA splicing suggest that this variant may create or strengthen a splice site. In summary, the available evidence is currently insufficient to determine the role of this variant in disease. Therefore, it has been classified as a Variant of Uncertain Significance.

NM_001184880.2(PCDH19):c.2381A>G (p.Glu794Gly)

Genes: PCDH19 (protocadherin 19; minus strand), LOC125467768 (CDK7 strongly-dependent group 2 enhancer GRCh37_chrX:99657381-99658580; plus strand). Cytogenetic location: Xq22.1.
Variant type: single nucleotide variant.
Coding change: c.2381A>G on transcript NM_001184880.2 (MANE Select); coding-DNA position 2381, A replaced by G.
Protein change: p.Glu794Gly; replaces glutamic acid 794 with glycine.
Molecular consequence: missense variant.
Genome position (GRCh38, 1-based): chrX:100,402,759, T>C on the plus strand (A>G on the coding strand, the complement: PCDH19 is on the minus strand). VCF-style: chrX-100402759-T-C. GRCh37 (hg19) VCF-style: chrX-99657757-T-C.
Other names: c.2240A>G, p.Glu747Gly (NM_001105243.2, NM_020766.3); short protein forms E747G, E794G.
Identifiers: ClinVar variation 846619 (VCV000846619.10), dbSNP rs1226080727, ClinGen allele CA414006033.